The following is an entry in ClinVar:

ClinVar aggregate classification (germline): Uncertain significance (1 of 4 stars; one submission).

Submission:

Labcorp Genetics (formerly Invitae), Labcorp
Classification: Uncertain significance. Last evaluated: 2022-10-05. Review status: criteria provided, single submitter. Criteria: Invitae Variant Classification Sherloc (09022015). Collection method: clinical testing. Allele origin: germline.
Comment: Advanced modeling of protein sequence and biophysical properties (such as structural, functional, and spatial information, amino acid conservation, physicochemical variation, residue mobility, and thermodynamic stability) performed at Invitae indicates that this missense variant is not expected to disrupt DUOX2 protein function. In summary, the available evidence is currently insufficient to determine the role of this variant in disease. Therefore, it has been classified as a Variant of Uncertain Significance. This variant has not been reported in the literature in individuals affected with DUOX2-related conditions. This variant is not present in population databases (gnomAD no frequency). This sequence change replaces proline, which is neutral and non-polar, with serine, which is neutral and polar, at codon 135 of the DUOX2 protein (p.Pro135Ser).

NM_001363711.2(DUOX2):c.403C>T (p.Pro135Ser)

Gene: DUOX2 (dual oxidase 2; minus strand). Cytogenetic location: 15q21.1.
Variant type: single nucleotide variant.
Coding change: c.403C>T on transcript NM_001363711.2 (MANE Select); coding-DNA position 403, C replaced by T.
Protein change: p.Pro135Ser; replaces proline 135 with serine.
Molecular consequence: missense variant.
Genome position (GRCh38, 1-based): chr15:45,111,878, G>A on the plus strand (C>T on the coding strand, the complement: DUOX2 is on the minus strand). VCF-style: chr15-45111878-G-A. GRCh37 (hg19) VCF-style: chr15-45404076-G-A.
Other names: c.403C>T, p.Pro135Ser (NM_014080.5); short protein forms P135S.
Identifiers: ClinVar variation 2075860 (VCV002075860.4), dbSNP rs2504786126, ClinGen allele CA392279385.